The following is an entry in ClinVar:

ClinVar aggregate classification (germline): Uncertain significance (1 of 4 stars; one submission).

Submission:

Labcorp Genetics (formerly Invitae), Labcorp
Classification: Uncertain significance. Last evaluated: 2025-03-31. Review status: criteria provided, single submitter. Criteria: Invitae Variant Classification Sherloc (09022015). Collection method: clinical testing. Allele origin: germline.
Comment: This sequence change replaces proline, which is neutral and non-polar, with threonine, which is neutral and polar, at codon 96 of the NDUFAF4 protein (p.Pro96Thr). This variant is not present in population databases (gnomAD no frequency). This variant has not been reported in the literature in individuals affected with NDUFAF4-related conditions. ClinVar contains an entry for this variant (Variation ID: 2088889). An algorithm developed to predict the effect of missense changes on protein structure and function (PolyPhen-2) suggests that this variant is likely to be disruptive. In summary, the available evidence is currently insufficient to determine the role of this variant in disease. Therefore, it has been classified as a Variant of Uncertain Significance.

NM_014165.4(NDUFAF4):c.286C>A (p.Pro96Thr)

Gene: NDUFAF4 (NADH:ubiquinone oxidoreductase complex assembly factor 4; minus strand). Cytogenetic location: 6q16.1.
Variant type: single nucleotide variant.
Coding change: c.286C>A on transcript NM_014165.4 (MANE Select); coding-DNA position 286, C replaced by A.
Protein change: p.Pro96Thr; replaces proline 96 with threonine.
Molecular consequence: missense variant.
Genome position (GRCh38, 1-based): chr6:96,891,346, G>T on the plus strand (C>A on the coding strand, the complement: NDUFAF4 is on the minus strand). VCF-style: chr6-96891346-G-T. GRCh37 (hg19) VCF-style: chr6-97339222-G-T.
Other names: short protein forms P96T.
Identifiers: ClinVar variation 2088889 (VCV002088889.4), dbSNP rs2483227260, ClinGen allele CA365279954.